The following is an entry in ClinVar:

NM_133433.4(NIPBL):c.7289A>G (p.Tyr2430Cys)

Gene: NIPBL (NIPBL cohesin loading factor; plus strand). Cytogenetic location: 5p13.2.
Variant type: single nucleotide variant.
Coding change: c.7289A>G on transcript NM_133433.4 (MANE Select); coding-DNA position 7289, A replaced by G.
Protein change: p.Tyr2430Cys; replaces tyrosine 2430 with cysteine.
Molecular consequence: missense variant.
Genome position (GRCh38, 1-based): chr5:37,057,211, A>G. VCF-style: chr5-37057211-A-G. GRCh37 (hg19) VCF-style: chr5-37057313-A-G.
Other names: c.7289A>G, p.Tyr2430Cys (NM_015384.5); short protein forms Y2430C.
Identifiers: ClinVar variation 2140 (VCV000002140.4), dbSNP rs121918265, ClinGen allele CA252115.

ClinVar aggregate classification (germline): Pathogenic. Review status: criteria provided, single submitter (1 of 4 stars). 2 submissions from 2 submitters: Pathogenic (1). 1 of the submissions does not count toward it. Last evaluated 2024-10-03.

Conditions:
Cornelia de Lange syndrome 1 (CDLS1). Also called: Brachmann de Lange syndrome; TYPUS DEGENERATIVUS AMSTELODAMENSIS; NIPBL-Related Cornelia de Lange Syndrome. Identifiers: Orphanet 199, MedGen C4551851, MONDO:0007387, OMIM 122470.

Submissions (2):

Labcorp Genetics (formerly Invitae), Labcorp
Classification: Pathogenic for Cornelia de Lange syndrome 1. Last evaluated: 2024-10-03. Review status: criteria provided, single submitter. Criteria: Invitae Variant Classification Sherloc (09022015). Collection method: clinical testing. Allele origin: germline.
Comment: This sequence change replaces tyrosine, which is neutral and polar, with cysteine, which is neutral and slightly polar, at codon 2430 of the NIPBL protein (p.Tyr2430Cys). This variant is not present in population databases (gnomAD no frequency). This missense change has been observed in individual(s) with clinical features of NIPBL-related conditions and/or Cornelia de Lange syndrome (PMID: 15146185, 36658419). In at least one individual the variant was observed to be de novo. ClinVar contains an entry for this variant (Variation ID: 2140). Invitae Evidence Modeling of protein sequence and biophysical properties (such as structural, functional, and spatial information, amino acid conservation, physicochemical variation, residue mobility, and thermodynamic stability) indicates that this missense variant is expected to disrupt NIPBL protein function with a positive predictive value of 95%. For these reasons, this variant has been classified as Pathogenic.

OMIM
Classification: Pathogenic for CORNELIA DE LANGE SYNDROME 1. Last evaluated: 2004-06-01. Review status: no assertion criteria provided. Collection method: literature only. Allele origin: germline. Not counted in ClinVar's aggregate classification.

Literature cited by the submitters: PubMed 15146185 (cited by Labcorp Genetics (formerly Invitae), Labcorp and OMIM); PubMed 36658419 (cited by Labcorp Genetics (formerly Invitae), Labcorp).